The following is an entry in ClinVar:

NM_054012.4(ASS1):c.256C>T (p.Arg86Cys)

Gene: ASS1 (argininosuccinate synthase 1; plus strand). Cytogenetic location: 9q34.11.
Variant type: single nucleotide variant.
Coding change: c.256C>T on transcript NM_054012.4 (MANE Select); coding-DNA position 256, C replaced by T.
Protein change: p.Arg86Cys; replaces arginine 86 with cysteine.
Molecular consequence: missense variant.
Genome position (GRCh38, 1-based): chr9:130,458,482, C>T. VCF-style: chr9-130458482-C-T. GRCh37 (hg19) VCF-style: chr9-133333869-C-T.
Other names: c.256C>T, p.Arg86Cys (NM_000050.4); short protein forms R86C.
Identifiers: ClinVar variation 6332 (VCV000006332.26), dbSNP rs121908644, ClinGen allele CA253837.

ClinVar aggregate classification (germline): Pathogenic. Review status: criteria provided, multiple submitters, no conflicts (2 of 4 stars). 9 submissions from 9 submitters: Pathogenic (7). 2 of the submissions do not count toward it. Last evaluated 2026-02-03.

Conditions:
Citrullinemia. Identifiers: Orphanet 187, MedGen C0175683, MONDO:0015991.
ASS1-related disorder. Also called: ASS1-related condition.
Citrullinemia type I (CTNL1). Also called: ASS DEFICIENCY; argininosuccinate synthetase deficiency. Identifiers: Orphanet 247525, MedGen C4721769, MONDO:0008988, OMIM 215700.

Allele frequency attached by ClinVar (database versions not stated): TOPMed 0.00005; gnomAD 0.00001; gnomAD exomes 0.00004; ExAC 0.00004.

Submissions (9):

Labcorp Genetics (formerly Invitae), Labcorp
Classification: Pathogenic for Citrullinemia. Last evaluated: 2026-02-03. Review status: criteria provided, single submitter. Criteria: Invitae Variant Classification Sherloc (09022015). Collection method: clinical testing. Allele origin: germline.
Comment: This sequence change replaces arginine, which is basic and polar, with cysteine, which is neutral and slightly polar, at codon 86 of the ASS1 protein (p.Arg86Cys). This variant is present in population databases (rs121908644, gnomAD 0.02%). This missense change has been observed in individual(s) with citrullinemia type 1 (PMID: 1943692, 25433810). In at least one individual the data is consistent with being in trans (on the opposite chromosome) from a pathogenic variant. ClinVar contains an entry for this variant (Variation ID: 6332). Invitae Evidence Modeling of protein sequence and biophysical properties (such as structural, functional, and spatial information, amino acid conservation, physicochemical variation, residue mobility, and thermodynamic stability) indicates that this missense variant is not expected to disrupt ASS1 protein function with a negative predictive value of 80%. Experimental studies have shown that this missense change affects ASS1 function (PMID: 1943692). This variant disrupts the p.Arg86 amino acid residue in ASS1. Other variant(s) that disrupt this residue have been determined to be pathogenic (PMID: 12815590). This suggests that this residue is clinically significant, and that variants that disrupt this residue are likely to be disease-causing. For these reasons, this variant has been classified as Pathogenic.

Natera, Inc.
Classification: Pathogenic for Citrullinemia type I. Last evaluated: 2025-11-18. Review status: criteria provided, single submitter. Criteria: Natera Variant Classification Schema (03/2026). Collection method: clinical testing. Allele origin: germline.
Comment: The c.256C>T variant in ASS1 is a missense variant predicted to cause substitution of arginine to cysteine at amino acid 86. This variant is rare in the general population with a frequency below the threshold expected for the associated phenotype(s). This variant has been observed in one or more individuals affected with the associated recessive disease, as either homozygous or compound heterozygous with a second variant (PMID: 22494545, 31056765). A different variant at the same position has been determined to be Pathogenic or Likely Pathogenic. Given the available evidence, this variant is classified as Pathogenic.

Fulgent Genetics
Classification: Pathogenic for Citrullinemia type I. Last evaluated: 2024-03-11. Review status: criteria provided, single submitter. Criteria: ACMG Guidelines, 2015. Collection method: clinical testing. Allele origin: germline.

Blueprint Genetics
Classification: Pathogenic for ASS1-related disorders. Last evaluated: 2024-03-08. Review status: criteria provided, single submitter. Criteria: ACMG Guidelines, 2015. Collection method: clinical testing. Allele origin: germline. Affected: yes. Observed: 2 variant alleles.

3billion
Classification: Pathogenic for Citrullinemia type I. Last evaluated: 2023-09-05. Review status: criteria provided, single submitter. Criteria: ACMG Guidelines, 2015. Collection method: clinical testing. Allele origin: germline. Affected: yes.
Comment: The variant is observed at an extremely low frequency in the gnomAD v2.1.1 dataset (total allele frequency: 0.004%). Predicted Consequence/Location: Missense variant In silico tool predictions suggest damaging effect of the variant on gene or gene product [REVEL: 0.83 (>=0.6, sensitivity 0.68 and specificity 0.92)]. Same nucleotide change resulting in same amino acid change (ClinVar ID: VCV000006332 /PMID: 1943692) and a different missense change at the same codon (p.Arg86His / ClinVar ID: VCV000265960 / PMID: 12815590) have been previously reported as pathogenic/likely pathogenic with strong evidence.The variant has been reported to be in trans with a pathogenic variant as either compound heterozygous or homozygous in at least one similarly affected unrelated individual (PMID: 25433810). Therefore, this variant is classified as Pathogenic according to the recommendation of ACMG/AMP guideline.

GeneDx
Classification: Pathogenic. Last evaluated: 2023-05-17. Review status: criteria provided, single submitter. Criteria: GeneDx Variant Classification Process June 2021. Collection method: clinical testing. Allele origin: germline. Affected: yes.
Comment: Published functional studies demonstrate a damaging effect as residual enzymatic activity was reduced to about 20% of wild-type (Zielonka et al., 2019); In silico analysis supports that this missense variant has a deleterious effect on protein structure/function; This variant is associated with the following publications: (PMID: 24772957, 24508627, 22494545, 12815590, 1943692, 25433810, 19006241, 7977368, 28111830, 31589614, 32778825, 31469252)

Women's Health and Genetics/Laboratory Corporation of America, LabCorp
Classification: Pathogenic for Citrullinemia. Last evaluated: 2023-02-07. Review status: criteria provided, single submitter. Criteria: LabCorp Variant Classification Summary - May 2015. Collection method: clinical testing. Allele origin: germline.
Comment: Variant summary: ASS1 c.256C>T (p.Arg86Cys) results in a non-conservative amino acid change in the encoded protein sequence. Three of five in-silico tools predict a damaging effect of the variant on protein function. The variant allele was found at a frequency of 4.4e-05 in 250884 control chromosomes. This frequency is not significantly higher than expected for a pathogenic variant in ASS1 causing Citrullinemia Type I (4.4e-05 vs 0.0041), allowing no conclusion about variant significance. c.256C>T has been reported in the literature in multiple homozygous patients (Martin-Hernandez_2014, Zielonka_2019), and in at least one compound heterozygous individual in trans from a pathogenic variant (Kobayashi_1991), with Citrullinemia Type I and associated phenotypes. These data indicate that the variant is very likely to be associated with disease. At least one publication reports experimental evidence evaluating an impact on protein function showing residual enzymatic ASS1 activity in a homozygous indivdual was about 5% of wildtype (Zielonka_2019) . Four clinical diagnostic laboratories have submitted clinical-significance assessments for this variant to ClinVar after 2014 without evidence for independent evaluation. All laboratories classified the variant as pathogenic (n=3) and likely pathogenic (n=1). Based on the evidence outlined above, the variant was classified as pathogenic.

Counsyl
Classification: Likely pathogenic for Citrullinemia type I. Last evaluated: 2017-06-27. Review status: no assertion criteria provided. Collection method: clinical testing. Allele origin: unknown. Not counted in ClinVar's aggregate classification.

OMIM
Classification: Pathogenic for CITRULLINEMIA, CLASSIC. Last evaluated: 1991-02-01. Review status: no assertion criteria provided. Collection method: literature only. Allele origin: germline. Not counted in ClinVar's aggregate classification.

Literature cited by the submitters: PubMed 1943692 (cited by 5 submitters); PubMed 25433810 (cited by 4 submitters); PubMed 12815590 (cited by 3 submitters); PubMed 22494545 (cited by Natera, Inc. and Counsyl); PubMed 31056765 (cited by Natera, Inc.); PubMed 7557970 (cited by Women's Health and Genetics/Laboratory Corporation of America, LabCorp); PubMed 31469252 (cited by Women's Health and Genetics/Laboratory Corporation of America, LabCorp).